The following is an entry in ClinVar:

NM_170682.4(P2RX2):c.173+11_173+31del

Gene: P2RX2 (purinergic receptor P2X 2; plus strand). Cytogenetic location: 12q24.33.
Variant type: Deletion.
Coding change: c.173+11_173+31del on transcript NM_170682.4 (MANE Select); bases 11 to 31 of the intron after coding-DNA position 173, 21 bases deleted (CGCGGGGTGCGGGGCGCGGGG).
Molecular consequence: intron variant.
Genome position (GRCh38, 1-based): chr12:132,619,000-132,619,020, CGCGGGGTGCGGGGCGCGGGG deleted; deleting any 21 consecutive bases within chr12:132,618,992-132,619,020 gives the same sequence; the c. name uses the placement nearest the transcript's 3' end. VCF-style (leftmost placement, unchanged base first): chr12-132618991-TGCGCGGGGCGCGGGGTGCGGG-T. GRCh37 (hg19) VCF-style: chr12-133195577-TGCGCGGGGCGCGGGGTGCGGG-T.
Other names: c.173+11_173+31del (NM_001282165.2, NM_170683.4, NM_174873.3 and 2 more transcripts); c.105+79_105+99del (NM_012226.5, NM_174872.3).
Identifiers: ClinVar variation 1435702 (VCV001435702.6), dbSNP rs776129212, ClinGen allele CA6891343.

ClinVar aggregate classification (germline): Uncertain significance (1 of 4 stars; one submission).

Submission:

Labcorp Genetics (formerly Invitae), Labcorp
Classification: Uncertain significance. Last evaluated: 2021-09-21. Review status: criteria provided, single submitter. Criteria: Invitae Variant Classification Sherloc (09022015). Collection method: clinical testing. Allele origin: germline.
Comment: This sequence change falls in intron 1 of the P2RX2 gene. It does not directly change the encoded amino acid sequence of the P2RX2 protein. The frequency data for this variant in the population databases is considered unreliable, as metrics indicate poor data quality at this position in the ExAC database. This variant has not been reported in the literature in individuals affected with P2RX2-related conditions. Algorithms developed to predict the effect of sequence changes on RNA splicing suggest that this variant may create or strengthen a splice site. In summary, the available evidence is currently insufficient to determine the role of this variant in disease. Therefore, it has been classified as a Variant of Uncertain Significance.